The following is an entry in ClinVar:

ClinVar aggregate classification (germline): Uncertain significance (1 of 4 stars; one submission).

Allele frequency attached by ClinVar (database versions not stated): TOPMed 0.00001; gnomAD 0.00001.

Submission:

Labcorp Genetics (formerly Invitae), Labcorp
Classification: Uncertain significance. Last evaluated: 2021-07-26. Review status: criteria provided, single submitter. Criteria: Invitae Variant Classification Sherloc (09022015). Collection method: clinical testing. Allele origin: germline.
Comment: This sequence change replaces glycine with alanine at codon 533 of the PAX1 protein (p.Gly533Ala). The glycine residue is weakly conserved and there is a small physicochemical difference between glycine and alanine. This variant is not present in population databases (ExAC no frequency). This variant has not been reported in the literature in individuals affected with PAX1-related conditions. Algorithms developed to predict the effect of missense changes on protein structure and function are either unavailable or do not agree on the potential impact of this missense change (SIFT: "Tolerated"; PolyPhen-2: "Not Available"; Align-GVGD: "Class C0"). In summary, the available evidence is currently insufficient to determine the role of this variant in disease. Therefore, it has been classified as a Variant of Uncertain Significance.

NM_001257096.2(PAX1):c.*234G>C

Gene: PAX1 (paired box 1; plus strand). Cytogenetic location: 20p11.22.
Variant type: single nucleotide variant.
Coding change: c.*234G>C on transcript NM_001257096.2 (MANE Select); 234 bases downstream of the stop codon, G replaced by C.
Molecular consequence: 3 prime UTR variant. On other transcripts: missense variant (1).
Genome position (GRCh38, 1-based): chr20:21,714,796, G>C. VCF-style: chr20-21714796-G-C. GRCh37 (hg19) VCF-style: chr20-21695434-G-C.
Other names: c.1598G>C, p.Gly533Ala (NM_006192.5); short protein forms G533A.
Identifiers: ClinVar variation 1439796 (VCV001439796.3), dbSNP rs1383572973, ClinGen allele CA408500437.